The following is an entry in ClinVar:

ClinVar aggregate classification (germline): Uncertain significance (1 of 4 stars; one submission).

Conditions:
SRC-related disorder. Also called: SRC-related condition.

gnomAD v4.1: 4 of 1,409,720 alleles (0.00028%); highest among the groups gnomAD compares: South Asian, 0.0029%; no homozygotes.

Submission:

PreventionGenetics, part of Exact Sciences
Classification: Uncertain significance for SRC-related condition. Last evaluated: 2025-09-14. Review status: criteria provided, single submitter. Criteria: ACMG Guidelines, 2015. Collection method: clinical testing. Allele origin: germline.
Comment: The SRC c.250G>A variant is predicted to result in the amino acid substitution p.Gly84Ser. To our knowledge, this variant has not been reported in the literature. This variant is reported in 0.029% of alleles in individuals of European (Finnish) descent in gnomAD. At this time, the clinical significance of this variant is uncertain due to the absence of conclusive functional and genetic evidence.

NM_198291.3(SRC):c.250G>A (p.Gly84Ser)

Gene: SRC (SRC proto-oncogene, non-receptor tyrosine kinase; plus strand). Cytogenetic location: 20q11.23.
Variant type: single nucleotide variant.
Coding change: c.250G>A on transcript NM_198291.3 (MANE Select); coding-DNA position 250, G replaced by A.
Protein change: p.Gly84Ser; replaces glycine 84 with serine.
Molecular consequence: missense variant.
Genome position (GRCh38, 1-based): chr20:37,384,403, G>A. VCF-style: chr20-37384403-G-A. GRCh37 (hg19) VCF-style: chr20-36012806-G-A.
Other names: c.250G>A, p.Gly84Ser (NM_005417.5); short protein forms G84S.
Identifiers: ClinVar variation 4989312 (VCV004989312.1).
Genomic context (GRCh38, chr20:37,384,403, plus strand): 5'-TTCGGAGGCTTCAACTCCTCGGACACCGTCACCTCCCCGCAGAGGGCGGGCCCGCTGGCC[G>A]GTCAGTGCGCGGGCGGCGCGGGGTCCTCGCCCACCTGGGGCCACGGCGGGGAGGCGGCGG-3'
Protein context (NP_938033.1, residues 74-94): TSPQRAGPLA[Gly84Ser]GVTTFVALYD